The following is an entry in ClinVar:

ClinVar aggregate classification (germline): Uncertain significance (1 of 4 stars; one submission).

Conditions:
Joubert syndrome 8 (JBTS8). Identifiers: Orphanet 475, MedGen C2676771, MONDO:0012855, OMIM 612291.

Allele frequency attached by ClinVar (database versions not stated): gnomAD exomes 0.00001; TOPMed 0.00001; gnomAD 0.00003; ESP Exome Variant Server 0.00008.
gnomAD v4.1: 16 of 1,609,696 alleles (0.00099%); highest among the groups gnomAD compares: Admixed American, 0.0017%; no homozygotes.

Submission:

Labcorp Genetics (formerly Invitae), Labcorp
Classification: Uncertain significance for Joubert syndrome 8. Last evaluated: 2022-05-15. Review status: criteria provided, single submitter. Criteria: Invitae Variant Classification Sherloc (09022015). Collection method: clinical testing. Allele origin: germline.
Comment: Algorithms developed to predict the effect of missense changes on protein structure and function output the following: SIFT: "Deleterious"; PolyPhen-2: "Benign"; Align-GVGD: "Class C0". The glutamine amino acid residue is found in multiple mammalian species, which suggests that this missense change does not adversely affect protein function. In summary, the available evidence is currently insufficient to determine the role of this variant in disease. Therefore, it has been classified as a Variant of Uncertain Significance. This variant has not been reported in the literature in individuals affected with ARL13B-related conditions. This variant is present in population databases (rs144084038, gnomAD 0.1%). This sequence change replaces arginine, which is basic and polar, with glutamine, which is neutral and polar, at codon 227 of the ARL13B protein (p.Arg227Gln).

NM_001174150.2(ARL13B):c.680G>A (p.Arg227Gln)

Gene: ARL13B (ARF like GTPase 13B; plus strand). Cytogenetic location: 3q11.2.
Variant type: single nucleotide variant.
Coding change: c.680G>A on transcript NM_001174150.2 (MANE Select); coding-DNA position 680, G replaced by A.
Protein change: p.Arg227Gln; replaces arginine 227 with glutamine.
Molecular consequence: missense variant. On other transcripts: non-coding transcript variant (2).
Genome position (GRCh38, 1-based): chr3:94,036,745, G>A. VCF-style: chr3-94036745-G-A. GRCh37 (hg19) VCF-style: chr3-93755589-G-A.
Other names: c.371G>A, p.Arg124Gln (NM_001174151.2); c.635G>A, p.Arg212Gln (NM_001321328.2); c.680G>A, p.Arg227Gln (NM_001410782.1, NM_182896.3); c.359G>A, p.Arg120Gln (NM_144996.4); short protein forms R120Q, R124Q, R212Q, R227Q.
Identifiers: ClinVar variation 2413347 (VCV002413347.6), dbSNP rs144084038, ClinGen allele CA78534359.